The following is an entry in ClinVar:

ClinVar aggregate classification (germline): Uncertain significance (1 of 4 stars; one submission).

Conditions:
Cryopyrin associated periodic syndrome (CAPS). Identifiers: Orphanet 208650, MedGen C2316212, MONDO:0016168.

Allele frequency attached by ClinVar (database versions not stated): gnomAD exomes below 0.00001.
gnomAD v4.1: 1 of 1,614,186 alleles (0.000062%); highest among the groups gnomAD compares: African/African-American, 0.0013%; no homozygotes.

Submission:

Labcorp Genetics (formerly Invitae), Labcorp
Classification: Uncertain significance for Cryopyrin associated periodic syndrome. Last evaluated: 2025-07-21. Review status: criteria provided, single submitter. Criteria: Invitae Variant Classification Sherloc (09022015). Collection method: clinical testing. Allele origin: germline.
Comment: This sequence change replaces methionine, which is neutral and non-polar, with valine, which is neutral and non-polar, at codon 664 of the NLRP3 protein (p.Met664Val). This variant is not present in population databases (gnomAD no frequency). This variant has not been reported in the literature in individuals affected with NLRP3-related conditions. ClinVar contains an entry for this variant (Variation ID: 2108629). Invitae Evidence Modeling of protein sequence and biophysical properties (such as structural, functional, and spatial information, amino acid conservation, physicochemical variation, residue mobility, and thermodynamic stability) indicates that this missense variant is not expected to disrupt NLRP3 protein function with a negative predictive value of 95%. This variant disrupts the p.Met664 amino acid residue in NLRP3. Other variant(s) that disrupt this residue have been determined to be pathogenic (PMID: 12032915, 33020839). This suggests that this residue is clinically significant, and that variants that disrupt this residue are likely to be disease-causing. In summary, the available evidence is currently insufficient to determine the role of this variant in disease. Therefore, it has been classified as a Variant of Uncertain Significance.

Literature cited by the submitters: PubMed 12032915; PubMed 33020839.

NM_001243133.2(NLRP3):c.1984A>G (p.Met662Val)

Gene: NLRP3 (NLR family pyrin domain containing 3; plus strand). Cytogenetic location: 1q44.
Variant type: single nucleotide variant.
Coding change: c.1984A>G on transcript NM_001243133.2 (MANE Select); coding-DNA position 1984, A replaced by G.
Protein change: p.Met662Val; replaces methionine 662 with valine.
Molecular consequence: missense variant.
Genome position (GRCh38, 1-based): chr1:247,425,433, A>G. VCF-style: chr1-247425433-A-G. GRCh37 (hg19) VCF-style: chr1-247588735-A-G.
Other names: c.1984A>G, p.Met662Val (NM_001079821.3, NM_001127461.3, NM_001127462.3 and 1 more transcripts); c.1990A>G, p.Met664Val (NM_004895.5); short protein forms M662V, M664V.
Identifiers: ClinVar variation 2108629 (VCV002108629.4), dbSNP rs2103113474, ClinGen allele CA345558404.
Genomic context (GRCh38, chr1:247,425,433, plus strand): 5'-CAAAGGGCCATGGACTATTTCCCCAAGATTGAGATCAATCTCTCCACCAGAATGGACCAC[A>G]TGGTTTCTTCCTTTTGCATTGAGAACTGTCATCGGGTGGAGTCACTGTCCCTGGGGTTTC-3'
Protein context (NP_001230062.1, residues 652-672): EINLSTRMDH[Met662Val]VSSFCIENCH